The following is an entry in ClinVar:

NM_001394372.1(BICRA):c.4344G>A (p.Pro1448=)

Gene: BICRA (BRD4 interacting chromatin remodeling complex associated protein; plus strand). Cytogenetic location: 19q13.33.
Variant type: single nucleotide variant.
Coding change: c.4344G>A on transcript NM_001394372.1 (MANE Select); coding-DNA position 4344, G replaced by A.
Protein change: p.Pro1448=; no amino-acid change (proline 1448 retained).
Molecular consequence: synonymous variant.
Genome position (GRCh38, 1-based): chr19:47,702,076, G>A. VCF-style: chr19-47702076-G-A. GRCh37 (hg19) VCF-style: chr19-48205333-G-A.
Other names: c.4344G>A, p.Pro1448= (NM_015711.3).
Identifiers: ClinVar variation 2650190 (VCV002650190.25), dbSNP rs189199907, ClinGen allele CA9542401.
Genomic context (GRCh38, chr19:47,702,076, plus strand): 5'-CATCCGCGAGCTGGCGGCCGTGGAGGACGAGCTGTACCAGCGTATGCTGAAGGGCCCCCC[G>A]CCAGAGCCCGCAGCCAGCGCCGCCCAAGGCACCGGGGACCCCGACTGGGAGGCGCCCGGG-3'
Protein context (NP_001381301.1, residues 1438-1458): ELYQRMLKGP[Pro1448=]PEPAASAAQG

ClinVar aggregate classification (germline): Benign/Likely benign. Review status: criteria provided, multiple submitters, no conflicts (2 of 4 stars). 2 submissions from 2 submitters: Benign (1); Likely benign (1). Last evaluated 2024-11-26.

Allele frequency attached by ClinVar (database versions not stated): TOPMed 0.00069; gnomAD 0.00087; ExAC 0.00089; 1000 Genomes Project 30x 0.00562; 1000 Genomes Project 0.00599.
gnomAD v4.1: 571 of 1,511,522 alleles (0.038%); highest among the groups gnomAD compares: East Asian, 0.74%; 7 homozygotes.

Submissions (2):

Blueprint Genetics
Classification: Likely benign. Last evaluated: 2024-11-26. Review status: criteria provided, single submitter. Criteria: ACMG Guidelines, 2015. Collection method: clinical testing. Allele origin: germline.

CeGaT Center for Human Genetics Tuebingen
Classification: Benign. Last evaluated: 2022-10-01. Review status: criteria provided, single submitter. Criteria: CeGaT Center For Human Genetics Tuebingen Variant Classification Criteria Version 2. Collection method: clinical testing. Allele origin: germline. Affected: yes. Observed: 1 variant allele.
Comment: BICRA: BS1, BS2